The following is an entry in ClinVar:

NM_015378.4(VPS13D):c.11614C>T (p.Leu3872Phe)

Gene: VPS13D (vacuolar protein sorting 13 homolog D; plus strand). Cytogenetic location: 1p36.22.
Variant type: single nucleotide variant.
Coding change: c.11614C>T on transcript NM_015378.4 (MANE Select); coding-DNA position 11614, C replaced by T.
Protein change: p.Leu3872Phe; replaces leucine 3872 with phenylalanine.
Molecular consequence: missense variant.
Genome position (GRCh38, 1-based): chr1:12,386,314, C>T. VCF-style: chr1-12386314-C-T. GRCh37 (hg19) VCF-style: chr1-12446373-C-T.
Other names: p.Leu3872Phe; c.11539C>T, p.Leu3847Phe (NM_018156.4); short protein forms L3872F, L3847F.
Identifiers: ClinVar variation 1904369 (VCV001904369.6), dbSNP rs757205809, ClinGen allele CA603978.

ClinVar aggregate classification (germline): Uncertain significance. Review status: criteria provided, multiple submitters, no conflicts (2 of 4 stars). 2 submissions from 2 submitters: Uncertain significance (2). Last evaluated 2025-02-19.

Allele frequency attached by ClinVar (database versions not stated): ExAC 0.00002; gnomAD exomes 0.00002; gnomAD 0.00003; TOPMed 0.00003.
gnomAD v4.1: 26 of 1,610,892 alleles (0.0016%); highest among the groups gnomAD compares: Non-Finnish European, 0.0012%; no homozygotes.

Submissions (2):

Labcorp Genetics (formerly Invitae), Labcorp
Classification: Uncertain significance. Last evaluated: 2025-02-19. Review status: criteria provided, single submitter. Criteria: Invitae Variant Classification Sherloc (09022015). Collection method: clinical testing. Allele origin: germline.
Comment: This sequence change replaces leucine, which is neutral and non-polar, with phenylalanine, which is neutral and non-polar, at codon 3872 of the VPS13D protein (p.Leu3872Phe). This variant is present in population databases (rs757205809, gnomAD 0.004%). This variant has not been reported in the literature in individuals affected with VPS13D-related conditions. ClinVar contains an entry for this variant (Variation ID: 1904369). Invitae Evidence Modeling of protein sequence and biophysical properties (such as structural, functional, and spatial information, amino acid conservation, physicochemical variation, residue mobility, and thermodynamic stability) indicates that this missense variant is expected to disrupt VPS13D protein function with a positive predictive value of 80%. In summary, the available evidence is currently insufficient to determine the role of this variant in disease. Therefore, it has been classified as a Variant of Uncertain Significance.

Mayo Clinic Laboratories, Mayo Clinic
Classification: Uncertain significance. Last evaluated: 2024-05-23. Review status: criteria provided, single submitter. Criteria: ACMG Guidelines, 2015. Collection method: clinical testing. Allele origin: germline. Observed: 1 variant allele.
Comment: BP4, PM2_moderate